The following is an entry in ClinVar:

NM_004397.6(DDX6):c.593C>T (p.Ala198Val)

Gene: DDX6 (DEAD-box helicase 6; minus strand). Cytogenetic location: 11q23.3.
Variant type: single nucleotide variant.
Coding change: c.593C>T on transcript NM_004397.6 (MANE Select); coding-DNA position 593, C replaced by T.
Protein change: p.Ala198Val; replaces alanine 198 with valine.
Molecular consequence: missense variant.
Genome position (GRCh38, 1-based): chr11:118,765,262, G>A on the plus strand (C>T on the coding strand, the complement: DDX6 is on the minus strand). VCF-style: chr11-118765262-G-A. GRCh37 (hg19) VCF-style: chr11-118635970-G-A.
Other names: c.593C>T, p.Ala198Val (NM_001257191.3); short protein forms A198V.
Identifiers: ClinVar variation 2632898 (VCV002632898.1), dbSNP rs2501404361, ClinGen allele CA382893120.

ClinVar aggregate classification (germline): Uncertain significance (1 of 4 stars; one submission).

Conditions:
DDX6-related disorder. Also called: DDX6-related condition.

Submission:

PreventionGenetics, part of Exact Sciences
Classification: Uncertain significance for DDX6-related condition. Last evaluated: 2023-04-25. Review status: criteria provided, single submitter. Criteria: ACMG Guidelines, 2015. Collection method: clinical testing. Allele origin: germline.
Comment: The DDX6 c.593C>T variant is predicted to result in the amino acid substitution p.Ala198Val. To our knowledge, this variant has not been reported in the literature or in a large population database, indicating this variant is rare. At this time, the clinical significance of this variant is uncertain due to the absence of conclusive functional and genetic evidence.